The following is an entry in ClinVar:

ClinVar aggregate classification (germline): Uncertain significance (1 of 4 stars; one submission).

Allele frequency attached by ClinVar (database versions not stated): gnomAD exomes 0.00001; TOPMed 0.00002; gnomAD 0.00004 and 0.00005; 1000 Genomes Project 30x 0.00031.
gnomAD v4.1: 15 of 1,611,470 alleles (0.00093%); highest among the groups gnomAD compares: Non-Finnish European, 0.0013%; no homozygotes.

Submission:

Labcorp Genetics (formerly Invitae), Labcorp
Classification: Uncertain significance. Last evaluated: 2025-03-17. Review status: criteria provided, single submitter. Criteria: Invitae Variant Classification Sherloc (09022015). Collection method: clinical testing. Allele origin: germline.
Comment: This sequence change replaces tyrosine, which is neutral and polar, with histidine, which is basic and polar, at codon 135 of the DRAM2 protein (p.Tyr135His). This variant is present in population databases (no rsID available, gnomAD 0.01%). This variant has not been reported in the literature in individuals affected with DRAM2-related conditions. ClinVar contains an entry for this variant (Variation ID: 837886). Invitae Evidence Modeling of protein sequence and biophysical properties (such as structural, functional, and spatial information, amino acid conservation, physicochemical variation, residue mobility, and thermodynamic stability) indicates that this missense variant is expected to disrupt DRAM2 protein function with a positive predictive value of 80%. In summary, the available evidence is currently insufficient to determine the role of this variant in disease. Therefore, it has been classified as a Variant of Uncertain Significance.

NM_001349884.2(DRAM2):c.403T>C (p.Tyr135His)

Gene: DRAM2 (DNA damage regulated autophagy modulator 2; minus strand). Cytogenetic location: 1p13.3.
Variant type: single nucleotide variant.
Coding change: c.403T>C on transcript NM_001349884.2 (MANE Select); coding-DNA position 403, T replaced by C.
Protein change: p.Tyr135His; replaces tyrosine 135 with histidine.
Molecular consequence: missense variant. On other transcripts: non-coding transcript variant (8).
Genome position (GRCh38, 1-based): chr1:111,120,630, A>G on the plus strand (T>C on the coding strand, the complement: DRAM2 is on the minus strand). VCF-style: chr1-111120630-A-G. GRCh37 (hg19) VCF-style: chr1-111663252-A-G.
Other names: c.403T>C, p.Tyr135His (NM_001349881.2, NM_001349882.2, NM_001349885.2 and 1 more transcripts); c.133T>C, p.Tyr45His (NM_001349886.2, NM_001349887.2, NM_001349888.2); c.13T>C, p.Tyr5His (NM_001349889.2, NM_001349890.2, NM_001349891.2 and 2 more transcripts); short protein forms Y45H, Y5H, Y135H.
Identifiers: ClinVar variation 837886 (VCV000837886.9), dbSNP rs1270294817, ClinGen allele CA341818986.
Genomic context (GRCh38, chr1:111,120,630, plus strand): 5'-CTTGTTTGCCATGGATTTTGGGCTGCATTTGGTAGGAAAGGATGGTCTGAACAAACATAT[A>G]TAATGAGCCCATACCAAAGGTAAGCACAGCTCCACTTACATGTGCAGCAAAAAGGGTTGT-3'
Protein context (NP_001336813.1, residues 125-145): AVLTFGMGSL[Tyr135His]MFVQTILSYQ